The following is an entry in ClinVar:

NM_152743.4(BRAT1):c.1025A>T (p.Asp342Val)

Gene: BRAT1 (BRCA1 associated ATM activator 1; minus strand). Cytogenetic location: 7p22.3.
Variant type: single nucleotide variant.
Coding change: c.1025A>T on transcript NM_152743.4 (MANE Select); coding-DNA position 1025, A replaced by T.
Protein change: p.Asp342Val; replaces aspartic acid 342 with valine.
Molecular consequence: missense variant. On other transcripts: non-coding transcript variant (1).
Genome position (GRCh38, 1-based): chr7:2,541,827, T>A on the plus strand (A>T on the coding strand, the complement: BRAT1 is on the minus strand). VCF-style: chr7-2541827-T-A. GRCh37 (hg19) VCF-style: chr7-2581461-T-A.
Other names: c.1025A>T, p.Asp342Val (NM_001350626.2); c.500A>T, p.Asp167Val (NM_001350627.2); short protein forms D342V, D167V.
Identifiers: ClinVar variation 521581 (VCV000521581.3), dbSNP rs1554295023, ClinGen allele CA366630030.

ClinVar aggregate classification (germline): Uncertain significance (1 of 4 stars; one submission).

Conditions:
Inborn genetic diseases. Identifiers: MedGen C0950123, MeSH D030342.

Submission:

Ambry Genetics
Classification: Uncertain significance for Hereditary disease. Last evaluated: 2017-02-02. Review status: criteria provided, single submitter. Criteria: ambry_reporting_categories_2017. Collection method: clinical testing. Allele origin: germline. Affected: yes. Observed: 1 heterozygote. Segregation with disease observed.
Comment: Lines of evidence used in support of classification: UNCERTAIN: Alteration(s) of Uncertain Clinical Significance Detected

Literature cited by the submitters: PubMed 23035047; PubMed 16452482; PubMed 22279524; PubMed 26494257; PubMed 26535877; PubMed 27282648; PubMed 27282546; PubMed 27480663; PubMed 28635423.